The following is an entry in ClinVar:

NM_000836.4(GRIN2D):c.3247G>A (p.Gly1083Arg)

Gene: GRIN2D (glutamate ionotropic receptor NMDA type subunit 2D; plus strand). Cytogenetic location: 19q13.33.
Variant type: single nucleotide variant.
Coding change: c.3247G>A on transcript NM_000836.4 (MANE Select); coding-DNA position 3247, G replaced by A.
Protein change: p.Gly1083Arg; replaces glycine 1083 with arginine.
Molecular consequence: missense variant.
Genome position (GRCh38, 1-based): chr19:48,443,173, G>A. VCF-style: chr19-48443173-G-A. GRCh37 (hg19) VCF-style: chr19-48946430-G-A.
Other names: short protein forms G1083R.
Identifiers: ClinVar variation 3682225 (VCV003682225.2).

ClinVar aggregate classification (germline): Uncertain significance (1 of 4 stars; one submission).

gnomAD v4.1: 9 of 1,055,228 alleles (0.00085%); highest among the groups gnomAD compares: Non-Finnish European, 0.00092%; no homozygotes.

Submission:

Labcorp Genetics (formerly Invitae), Labcorp
Classification: Uncertain significance. Last evaluated: 2024-02-10. Review status: criteria provided, single submitter. Criteria: Invitae Variant Classification Sherloc (09022015). Collection method: clinical testing. Allele origin: germline.
Comment: This sequence change replaces glycine, which is neutral and non-polar, with arginine, which is basic and polar, at codon 1083 of the GRIN2D protein (p.Gly1083Arg). The frequency data for this variant in the population databases is considered unreliable, as metrics indicate insufficient coverage at this position in the gnomAD database. This variant has not been reported in the literature in individuals affected with GRIN2D-related conditions. Advanced modeling of protein sequence and biophysical properties (such as structural, functional, and spatial information, amino acid conservation, physicochemical variation, residue mobility, and thermodynamic stability) performed at Invitae indicates that this missense variant is not expected to disrupt GRIN2D protein function with a negative predictive value of 95%. In summary, the available evidence is currently insufficient to determine the role of this variant in disease. Therefore, it has been classified as a Variant of Uncertain Significance.